The following is an entry in ClinVar:

NM_000059.4(BRCA2):c.-7G>A

Gene: BRCA2 (BRCA2 DNA repair associated; plus strand). Cytogenetic location: 13q13.1.
Variant type: single nucleotide variant.
Coding change: c.-7G>A on transcript NM_000059.4 (MANE Select); 7 bases upstream of the start codon, G replaced by A.
Molecular consequence: 5 prime UTR variant.
Genome position (GRCh38, 1-based): chr13:32,316,454, G>A. VCF-style: chr13-32316454-G-A. GRCh37 (hg19) VCF-style: chr13-32890591-G-A.
Identifiers: ClinVar variation 1507194 (VCV001507194.7), dbSNP rs2138697890, ClinGen allele CA2573149259.

ClinVar aggregate classification (germline): Uncertain significance. Review status: criteria provided, multiple submitters, no conflicts (2 of 4 stars). 2 submissions from 2 submitters: Uncertain significance (2). Last evaluated 2026-04-03.

Conditions:
Hereditary breast ovarian cancer syndrome. Also called: Hereditary breast and ovarian cancer; Breast and ovarian cancer; Hereditary breast and ovarian cancer syndrome; Hereditary breast and/or ovarian cancer syndrome; BRCA1- and BRCA2-Associated Hereditary Breast and Ovarian Cancer; Hereditary breast and ovarian cancer syndrome (HBOC). Identifiers: Orphanet 145, MedGen C0677776, MeSH D061325, MONDO:0003582. Disease mechanism: loss of function.

Allele frequency attached by ClinVar (database versions not stated): gnomAD exomes below 0.00001.
gnomAD v4.1: 1 of 1,612,862 alleles (0.000062%); highest among the groups gnomAD compares: Non-Finnish European, 0.000085%; no homozygotes.

Submissions (2):

Women's Health and Genetics/Laboratory Corporation of America, LabCorp
Classification: Uncertain significance. Last evaluated: 2026-04-03. Review status: criteria provided, single submitter. Criteria: LabCorp Variant Classification Summary - May 2015. Collection method: clinical testing. Allele origin: germline.
Comment: Variant summary: BRCA2 c.-7G>A is located in the untranslated mRNA region upstream of the initiation codon. Several computational tools predict a significant impact on normal splicing: Three predict the variant creates a 5' donor site. One predict the variant strengthens a cryptic 5' donor site. Four predict the variant abolishes a cryptic 5' donor site. At least one experimental study shows no impact on splicing (Canson_2025). The variant was absent in 251214 control chromosomes. The available data on variant occurrences in the general population are insufficient to allow any conclusion about variant significance. To our knowledge, no occurrence of c.-7G>A in individuals affected with BRCA2-related conditions and no experimental evidence demonstrating its impact on protein function have been reported. The following publication has been ascertained in the context of this evaluation (PMID: 40769711). ClinVar contains an entry for this variant (Variation ID: 1507194). Based on the evidence outlined above, the variant was classified as uncertain significance.

Labcorp Genetics (formerly Invitae), Labcorp
Classification: Uncertain significance for Hereditary breast ovarian cancer syndrome. Last evaluated: 2023-11-02. Review status: criteria provided, single submitter. Criteria: Invitae Variant Classification Sherloc (09022015). Collection method: clinical testing. Allele origin: germline.
Comment: This variant occurs in a non-coding region of the BRCA2 gene. It does not change the encoded amino acid sequence of the BRCA2 protein. This variant is not present in population databases (gnomAD no frequency). This variant has not been reported in the literature in individuals affected with BRCA2-related conditions. ClinVar contains an entry for this variant (Variation ID: 1507194). In summary, the available evidence is currently insufficient to determine the role of this variant in disease. Therefore, it has been classified as a Variant of Uncertain Significance.

Literature cited by the submitters: PubMed 40769711 (cited by Women's Health and Genetics/Laboratory Corporation of America, LabCorp).